The following is an entry in ClinVar:

NM_022042.4(SLC26A1):c.1244C>T (p.Ser415Phe)

Genes: IDUA (alpha-L-iduronidase; plus strand), SLC26A1 (solute carrier family 26 member 1; minus strand). Cytogenetic location: 4p16.3.
Variant type: single nucleotide variant.
Coding change: c.1244C>T on transcript NM_022042.4 (MANE Select); coding-DNA position 1244, C replaced by T.
Protein change: p.Ser415Phe; replaces serine 415 with phenylalanine.
Molecular consequence: missense variant. On other transcripts: intron variant (2).
Genome position (GRCh38, 1-based): chr4:989,695, G>A on the plus strand (C>T on the coding strand, the complement: SLC26A1 is on the minus strand). VCF-style: chr4-989695-G-A. GRCh37 (hg19) VCF-style: chr4-983483-G-A.
Other names: c.1244C>T, p.Ser415Phe (NM_213613.4); c.576+1433C>T (NM_134425.4); c.299+1746G>A (NM_000203.5); c.1244C>T (NM_213613.2); short protein forms S415F.
Identifiers: ClinVar variation 860198 (VCV000860198.13), dbSNP rs200470975, ClinGen allele CA2801434.
Genomic context (GRCh38, chr4:989,695, plus strand): 5'-TGGAACAGCGGTGCCAGCGCCAGCAGCACCAGCAGCACCACGGTGGCGCTGACCACGCTG[G>A]ACAGCTGTGTCCGGCAGCCAGTGGCTGTCTTCACCAGGCTCTTGGCCAGGGCGGCGCTGG-3'
Protein context (NP_071325.2, residues 405-425): KTATGCRTQL[Ser415Phe]SVVSATVVLL

ClinVar aggregate classification (germline): Uncertain significance. Review status: criteria provided, multiple submitters, no conflicts (2 of 4 stars). 5 submissions from 5 submitters: Uncertain significance (5). Last evaluated 2025-10-13.

Conditions:
Hypersulfaturia (HYSULF). Identifiers: MedGen C5830511, MONDO:0957268, OMIM 620372.
Nephrolithiasis susceptibility caused by SLC26A1 (CAON1). Also called: NEPHROLITHIASIS, CALCIUM OXALATE, 1. Identifiers: MedGen C5779632, MONDO:0020722, OMIM 167030.
Inborn genetic diseases. Identifiers: MedGen C0950123, MeSH D030342.

Allele frequency attached by ClinVar (database versions not stated): TOPMed 0.00047; 1000 Genomes Project 0.00060; ExAC 0.00071; ESP Exome Variant Server 0.00040; 1000 Genomes Project 30x 0.00062.
gnomAD v4.1: 721 of 1,562,362 alleles (0.046%); highest among the groups gnomAD compares: Middle Eastern, 0.14%; no homozygotes.

Submissions (5):

Labcorp Genetics (formerly Invitae), Labcorp
Classification: Uncertain significance. Last evaluated: 2025-10-13. Review status: criteria provided, single submitter. Criteria: Invitae Variant Classification Sherloc (09022015). Collection method: clinical testing. Allele origin: germline.
Comment: This sequence change replaces serine, which is neutral and polar, with phenylalanine, which is neutral and non-polar, at codon 415 of the SLC26A1 protein (p.Ser415Phe). This variant is present in population databases (rs200470975, gnomAD 0.07%), and has an allele count higher than expected for a pathogenic variant. This variant has not been reported in the literature in individuals affected with SLC26A1-related conditions. ClinVar contains an entry for this variant (Variation ID: 860198). Invitae Evidence Modeling of protein sequence and biophysical properties (such as structural, functional, and spatial information, amino acid conservation, physicochemical variation, residue mobility, and thermodynamic stability) has been performed for this missense variant. However, the output from this modeling did not meet the statistical confidence thresholds required to predict the impact of this variant on SLC26A1 protein function. In summary, the available evidence is currently insufficient to determine the role of this variant in disease. Therefore, it has been classified as a Variant of Uncertain Significance.

Blueprint Genetics
Classification: Uncertain significance. Last evaluated: 2024-09-15. Review status: criteria provided, single submitter. Criteria: ACMG Guidelines, 2015. Collection method: clinical testing. Allele origin: germline.

Fulgent Genetics
Classification: Uncertain significance for Nephrolithiasis susceptibility caused by SLC26A1; Hypersulfaturia. Last evaluated: 2024-03-08. Review status: criteria provided, single submitter. Criteria: ACMG Guidelines, 2015. Collection method: clinical testing. Allele origin: germline.

Ambry Genetics
Classification: Uncertain significance for Inborn genetic diseases. Last evaluated: 2021-10-29. Review status: criteria provided, single submitter. Criteria: Ambry Variant Classification Scheme 2023. Collection method: clinical testing. Allele origin: germline.

Breakthrough Genomics
Classification: Uncertain significance. Review status: criteria provided, single submitter. Criteria: ACMG Guidelines, 2015. Collection method: not provided. Allele origin: germline. Inheritance: Autosomal recessive inheritance. Affected: yes.